The following is an entry in ClinVar:

ClinVar aggregate classification (germline): Uncertain significance (0 of 4 stars; one submission).

Conditions:
BBS2-related disorder. Also called: BBS2-related condition; BBS2-related disorders. Identifiers: MedGen CN239228.

Allele frequency attached by ClinVar (database versions not stated): gnomAD 0.00001; TOPMed 0.00001.
gnomAD v4.1: 10 of 1,614,090 alleles (0.00062%); highest among the groups gnomAD compares: Middle Eastern, 0.016%; no homozygotes.

Submission:

PreventionGenetics, part of Exact Sciences
Classification: Uncertain significance for BBS2-related condition. Last evaluated: 2024-04-25. Review status: no assertion criteria provided. Collection method: clinical testing. Allele origin: germline.
Comment: The BBS2 c.829G>A variant is predicted to result in the amino acid substitution p.Gly277Arg. To our knowledge, this variant has not been reported in the literature. This variant is reported in 0.00088% of alleles in individuals of European (Non-Finnish) descent in gnomAD. At this time, the clinical significance of this variant is uncertain due to the absence of conclusive functional and genetic evidence.

NM_031885.5(BBS2):c.829G>A (p.Gly277Arg)

Gene: BBS2 (Bardet-Biedl syndrome 2; minus strand). Cytogenetic location: 16q13.
Variant type: single nucleotide variant.
Coding change: c.829G>A on transcript NM_031885.5 (MANE Select); coding-DNA position 829, G replaced by A.
Protein change: p.Gly277Arg; replaces glycine 277 with arginine.
Molecular consequence: missense variant. On other transcripts: non-coding transcript variant (5).
Genome position (GRCh38, 1-based): chr16:56,502,784, C>T on the plus strand (G>A on the coding strand, the complement: BBS2 is on the minus strand). VCF-style: chr16-56502784-C-T. GRCh37 (hg19) VCF-style: chr16-56536696-C-T.
Other names: c.829G>A, p.Gly277Arg (NM_001377456.1); short protein forms G277R.
Identifiers: ClinVar variation 3036289 (VCV003036289.2), dbSNP rs1255312537, ClinGen allele CA395981890.